The following is an entry in ClinVar:

ClinVar aggregate classification (germline): Uncertain significance. Review status: criteria provided, multiple submitters, no conflicts (2 of 4 stars). 2 submissions from 2 submitters: Uncertain significance (2). Last evaluated 2023-03-01.

Conditions:
Inborn genetic diseases. Identifiers: MedGen C0950123, MeSH D030342.

Allele frequency attached by ClinVar (database versions not stated): TOPMed below 0.00001; gnomAD exomes 0.00001; gnomAD 0.00002; ExAC 0.00015; 1000 Genomes Project 30x 0.00016.

Submissions (2):

CeGaT Center for Human Genetics Tuebingen
Classification: Uncertain significance. Last evaluated: 2023-03-01. Review status: criteria provided, single submitter. Criteria: CeGaT Center For Human Genetics Tuebingen Variant Classification Criteria Version 2. Collection method: clinical testing. Allele origin: germline. Affected: yes. Observed: 1 variant allele.
Comment: FOXE1: PP3

Ambry Genetics
Classification: Uncertain significance for Inborn genetic diseases. Last evaluated: 2022-05-30. Review status: criteria provided, single submitter. Criteria: Ambry Variant Classification Scheme 2023. Collection method: clinical testing. Allele origin: germline.

NM_004473.4(FOXE1):c.151C>G (p.Arg51Gly)

Gene: FOXE1 (forkhead box E1; plus strand). Cytogenetic location: 9q22.33.
Variant type: single nucleotide variant.
Coding change: c.151C>G on transcript NM_004473.4 (MANE Select); coding-DNA position 151, C replaced by G.
Protein change: p.Arg51Gly; replaces arginine 51 with glycine.
Molecular consequence: missense variant.
Genome position (GRCh38, 1-based): chr9:97,854,065, C>G. VCF-style: chr9-97854065-C-G. GRCh37 (hg19) VCF-style: chr9-100616347-C-G.
Other names: short protein forms R51G.
Identifiers: ClinVar variation 2226580 (VCV002226580.26), dbSNP rs781113383, ClinGen allele CA5149024.